The following is an entry in ClinVar:

ClinVar aggregate classification (germline): Uncertain significance (1 of 4 stars; one submission).

Allele frequency attached by ClinVar (database versions not stated): gnomAD exomes 0.00001; gnomAD 0.00001; ExAC 0.00001; TOPMed 0.00002.
gnomAD v4.1: 14 of 1,614,008 alleles (0.00087%); highest among the groups gnomAD compares: Admixed American, 0.01%; no homozygotes.

Submission:

Labcorp Genetics (formerly Invitae), Labcorp
Classification: Uncertain significance. Last evaluated: 2025-10-10. Review status: criteria provided, single submitter. Criteria: Invitae Variant Classification Sherloc (09022015). Collection method: clinical testing. Allele origin: germline.
Comment: This sequence change replaces arginine, which is basic and polar, with glutamine, which is neutral and polar, at codon 519 of the CIT protein (p.Arg519Gln). This variant is present in population databases (rs746417068, gnomAD 0.02%). This variant has not been reported in the literature in individuals affected with CIT-related conditions. ClinVar contains an entry for this variant (Variation ID: 2011455). An algorithm developed to predict the effect of missense changes on protein structure and function (PolyPhen-2) suggests that this variant is likely to be disruptive. In summary, the available evidence is currently insufficient to determine the role of this variant in disease. Therefore, it has been classified as a Variant of Uncertain Significance.

NM_001206999.2(CIT):c.1556G>A (p.Arg519Gln)

Gene: CIT (citron rho-interacting serine/threonine kinase; minus strand). Cytogenetic location: 12q24.23.
Variant type: single nucleotide variant.
Coding change: c.1556G>A on transcript NM_001206999.2 (MANE Select); coding-DNA position 1556, G replaced by A.
Protein change: p.Arg519Gln; replaces arginine 519 with glutamine.
Molecular consequence: missense variant.
Genome position (GRCh38, 1-based): chr12:119,782,627, C>T on the plus strand (G>A on the coding strand, the complement: CIT is on the minus strand). VCF-style: chr12-119782627-C-T. GRCh37 (hg19) VCF-style: chr12-120220431-C-T.
Other names: c.1556G>A, p.Arg519Gln (NM_007174.3); short protein forms R519Q.
Identifiers: ClinVar variation 2011455 (VCV002011455.4), dbSNP rs746417068, ClinGen allele CA6822039.